The following is an entry in ClinVar:

ClinVar aggregate classification (germline): Uncertain significance (1 of 4 stars; one submission).

Conditions:
Hereditary cancer-predisposing syndrome. Also called: Tumor predisposition; Neoplastic Syndromes, Hereditary; Hereditary neoplastic syndrome; Hereditary Cancer Syndrome. Identifiers: Orphanet 140162, MedGen C0027672, MeSH D009386, MONDO:0015356.

Submission:

Ambry Genetics
Classification: Uncertain significance for Hereditary cancer-predisposing syndrome. Last evaluated: 2024-07-02. Review status: criteria provided, single submitter. Criteria: Ambry Variant Classification Scheme 2023. Collection method: clinical testing. Allele origin: germline.
Comment: The p.Y118N variant (also known as c.352T>A), located in coding exon 2 of the STK11 gene, results from a T to A substitution at nucleotide position 352. The tyrosine at codon 118 is replaced by asparagine, an amino acid with dissimilar properties. This amino acid position is conserved. In addition, the in silico prediction for this alteration is inconclusive. Based on the available evidence, the clinical significance of this variant remains unclear.

NM_000455.5(STK11):c.352T>A (p.Tyr118Asn)

Gene: STK11 (serine/threonine kinase 11; plus strand). Cytogenetic location: 19p13.3.
Variant type: single nucleotide variant.
Coding change: c.352T>A on transcript NM_000455.5 (MANE Select); coding-DNA position 352, T replaced by A.
Protein change: p.Tyr118Asn; replaces tyrosine 118 with asparagine.
Molecular consequence: missense variant. On other transcripts: non-coding transcript variant (1).
Genome position (GRCh38, 1-based): chr19:1,218,478, T>A. VCF-style: chr19-1218478-T-A. GRCh37 (hg19) VCF-style: chr19-1218477-T-A.
Other names: c.352T>A, p.Tyr118Asn (NM_001407255.1); short protein forms Y118N.
Identifiers: ClinVar variation 3450566 (VCV003450566.1).